The following is an entry in ClinVar:

ClinVar aggregate classification (germline): Uncertain significance. Review status: criteria provided, multiple submitters, no conflicts (2 of 4 stars). 2 submissions from 2 submitters: Uncertain significance (2). Last evaluated 2024-12-07.

Conditions:
Inborn genetic diseases. Identifiers: MedGen C0950123, MeSH D030342.
Fanconi anemia (FA). Also called: Fanconi's anemia. Identifiers: Orphanet 84, MedGen C0015625, MeSH D005199, MONDO:0019391.

Allele frequency attached by ClinVar (database versions not stated): TOPMed 0.00001.
gnomAD v4.1: 1 of 1,614,002 alleles (0.000062%); highest among the groups gnomAD compares: East Asian, 0.0022%; no homozygotes.

Submissions (2):

Ambry Genetics
Classification: Uncertain significance for Inborn genetic diseases. Last evaluated: 2024-12-07. Review status: criteria provided, single submitter. Criteria: Ambry Variant Classification Scheme 2023. Collection method: clinical testing. Allele origin: germline.
Comment: The p.L946F variant (also known as c.2836C>T), located in coding exon 29 of the FANCA gene, results from a C to T substitution at nucleotide position 2836. The leucine at codon 946 is replaced by phenylalanine, an amino acid with highly similar properties. This amino acid position is conserved. In addition, the in silico prediction for this alteration is inconclusive. Based on the available evidence, the clinical significance of this variant remains unclear.

Labcorp Genetics (formerly Invitae), Labcorp
Classification: Uncertain significance for Fanconi anemia. Last evaluated: 2022-05-05. Review status: criteria provided, single submitter. Criteria: Invitae Variant Classification Sherloc (09022015). Collection method: clinical testing. Allele origin: germline.
Comment: This sequence change replaces leucine, which is neutral and non-polar, with phenylalanine, which is neutral and non-polar, at codon 946 of the FANCA protein (p.Leu946Phe). This variant is not present in population databases (gnomAD no frequency). This variant has not been reported in the literature in individuals affected with FANCA-related conditions. Advanced modeling of protein sequence and biophysical properties (such as structural, functional, and spatial information, amino acid conservation, physicochemical variation, residue mobility, and thermodynamic stability) performed at Invitae indicates that this missense variant is expected to disrupt FANCA protein function. In summary, the available evidence is currently insufficient to determine the role of this variant in disease. Therefore, it has been classified as a Variant of Uncertain Significance.

NM_000135.4(FANCA):c.2836C>T (p.Leu946Phe)

Gene: FANCA (FA complementation group A; minus strand). Cytogenetic location: 16q24.3.
Variant type: single nucleotide variant.
Coding change: c.2836C>T on transcript NM_000135.4 (MANE Select); coding-DNA position 2836, C replaced by T.
Protein change: p.Leu946Phe; replaces leucine 946 with phenylalanine.
Molecular consequence: missense variant.
Genome position (GRCh38, 1-based): chr16:89,761,965, G>A on the plus strand (C>T on the coding strand, the complement: FANCA is on the minus strand). VCF-style: chr16-89761965-G-A. GRCh37 (hg19) VCF-style: chr16-89828373-G-A.
Other names: c.2836C>T, p.Leu946Phe (NM_001286167.3); short protein forms L946F.
Identifiers: ClinVar variation 2146531 (VCV002146531.2), dbSNP rs1598096917, ClinGen allele CA397433278.